The following is an entry in ClinVar:

ClinVar aggregate classification (germline): Uncertain significance (1 of 4 stars; one submission).

gnomAD v4.1: 6 of 1,614,024 alleles (0.00037%); highest among the groups gnomAD compares: Non-Finnish European, 0.00051%; no homozygotes.

Submission:

Labcorp Genetics (formerly Invitae), Labcorp
Classification: Uncertain significance. Last evaluated: 2025-09-10. Review status: criteria provided, single submitter. Criteria: Invitae Variant Classification Sherloc (09022015). Collection method: clinical testing. Allele origin: germline.
Comment: This sequence change replaces leucine, which is neutral and non-polar, with valine, which is neutral and non-polar, at codon 508 of the HYOU1 protein (p.Leu508Val). This variant is not present in population databases (gnomAD no frequency). This variant has not been reported in the literature in individuals affected with HYOU1-related conditions. An algorithm developed to predict the effect of missense changes on protein structure and function (PolyPhen-2) suggests that this variant is likely to be tolerated. In summary, the available evidence is currently insufficient to determine the role of this variant in disease. Therefore, it has been classified as a Variant of Uncertain Significance.

NM_006389.5(HYOU1):c.1522C>G (p.Leu508Val)

Gene: HYOU1 (hypoxia up-regulated 1; minus strand). Cytogenetic location: 11q23.3.
Variant type: single nucleotide variant.
Coding change: c.1522C>G on transcript NM_006389.5 (MANE Select); coding-DNA position 1522, C replaced by G.
Protein change: p.Leu508Val; replaces leucine 508 with valine.
Molecular consequence: missense variant.
Genome position (GRCh38, 1-based): chr11:119,051,442, G>C on the plus strand (C>G on the coding strand, the complement: HYOU1 is on the minus strand). VCF-style: chr11-119051442-G-C. GRCh37 (hg19) VCF-style: chr11-118922154-G-C.
Other names: c.1522C>G, p.Leu508Val (NM_001130991.3, NM_001411041.1); short protein forms L508V.
Identifiers: ClinVar variation 4727027 (VCV004727027.1).